The following is an entry in ClinVar:

NM_020832.3(ZNF687):c.364C>T (p.Arg122Ter)

Gene: ZNF687 (zinc finger protein 687; plus strand). Cytogenetic location: 1q21.3.
Variant type: single nucleotide variant.
Coding change: c.364C>T on transcript NM_020832.3 (MANE Select); coding-DNA position 364, C replaced by T.
Protein change: p.Arg122Ter; replaces arginine 122 with a stop codon.
Molecular consequence: nonsense.
Genome position (GRCh38, 1-based): chr1:151,286,655, C>T. VCF-style: chr1-151286655-C-T. GRCh37 (hg19) VCF-style: chr1-151259131-C-T.
Other names: c.364C>T, p.Arg122Ter (NM_001304763.2, NM_001304764.2); short protein forms R122*.
Identifiers: ClinVar variation 2711945 (VCV002711945.3), dbSNP rs749719434, ClinGen allele CA341928395.

ClinVar aggregate classification (germline): Uncertain significance (1 of 4 stars; one submission).

Submission:

Labcorp Genetics (formerly Invitae), Labcorp
Classification: Uncertain significance. Last evaluated: 2024-04-16. Review status: criteria provided, single submitter. Criteria: Invitae Variant Classification Sherloc (09022015). Collection method: clinical testing. Allele origin: germline.
Comment: This sequence change creates a premature translational stop signal (p.Arg122*) in the ZNF687 gene. It is expected to result in an absent or disrupted protein product. However, the current clinical and genetic evidence is not sufficient to establish whether loss-of-function variants in ZNF687 cause disease. This variant is not present in population databases (gnomAD no frequency). This variant has not been reported in the literature in individuals affected with ZNF687-related conditions. In summary, the available evidence is currently insufficient to determine the role of this variant in disease. Therefore, it has been classified as a Variant of Uncertain Significance.